The following is an entry in ClinVar:

ClinVar aggregate classification (germline): Uncertain significance. Review status: criteria provided, multiple submitters, no conflicts (2 of 4 stars). 3 submissions from 3 submitters: Uncertain significance (3). Last evaluated 2024-12-11.

Conditions:
Malignant hyperthermia, susceptibility to, 1 (MHS1). Also called: Anesthesia related hyperthermia; Malignant hyperpyrexia; Fulminating hyperpyrexia; Pharmacogenic myopathy; RYR1-Related Malignant Hyperthermia Susceptibility; Malignant hyperthermia suceptibility 1. Identifiers: Orphanet 423, MedGen C2930980, MONDO:0007783, OMIM 145600.
RYR1-related disorder. Also called: RYR1-related condition; RYR1-related disorders. Identifiers: MedGen CN239331.

Allele frequency attached by ClinVar (database versions not stated): gnomAD exomes 0.00002; TOPMed 0.00003; ExAC 0.00004; gnomAD 0.00005; 1000 Genomes Project 30x 0.00031; 1000 Genomes Project 0.00040.
gnomAD v4.1: 36 of 1,585,340 alleles (0.0023%); highest among the groups gnomAD compares: East Asian, 0.0069%; no homozygotes.

Submissions (3):

GeneDx
Classification: Uncertain significance. Last evaluated: 2024-12-11. Review status: criteria provided, single submitter. Criteria: GeneDx Variant Classification Process June 2021. Collection method: clinical testing. Allele origin: germline. Affected: yes.
Comment: Reported as heterozygous in an individual who experienced a malignant hyperthermia episode while sedated (PMID: 19191333); Not observed at significant frequency in large population cohorts (gnomAD); In silico analysis supports that this missense variant has a deleterious effect on protein structure/function; This variant is associated with the following publications: (PMID: 19191333)

Color Diagnostics, LLC DBA Color Health
Classification: Uncertain significance for Malignant hyperthermia, susceptibility to, 1. Last evaluated: 2023-07-29. Review status: criteria provided, single submitter. Criteria: ACMG Guidelines, 2015. Collection method: clinical testing. Allele origin: germline.
Comment: This missense variant replaces arginine with glutamine at codon 3225 of the RYR1 protein. Computational prediction is inconclusive regarding the impact of this variant on protein structure and function. To our knowledge, controlled functional studies that investigate the impact of this variant have not been reported. This variant has been reported in one individuals affected with malignant hyperthermia susceptibility who also carried a second variant in RYR1 that appeared to segregate with disease in their family, as well as in another unrelated individual who was not found to be susceptible to malignant hyperthermia (PMID: 19191333). This variant has been identified in 4/202968 chromosomes in the general population by the Genome Aggregation Database (gnomAD). The available evidence is insufficient to determine the role of this variant in disease conclusively. Therefore, this variant is classified as a Variant of Uncertain Significance.

Labcorp Genetics (formerly Invitae), Labcorp
Classification: Uncertain significance for RYR1-related disorder. Last evaluated: 2022-09-21. Review status: criteria provided, single submitter. Criteria: Invitae Variant Classification Sherloc (09022015). Collection method: clinical testing. Allele origin: germline.
Comment: This sequence change replaces arginine, which is basic and polar, with glutamine, which is neutral and polar, at codon 3225 of the RYR1 protein (p.Arg3225Gln). The frequency data for this variant in the population databases is considered unreliable, as metrics indicate poor data quality at this position in the gnomAD database. This missense change has been observed in individual(s) with malignant hyperthermia (PMID: 19191333). Advanced modeling of protein sequence and biophysical properties (such as structural, functional, and spatial information, amino acid conservation, physicochemical variation, residue mobility, and thermodynamic stability) performed at Invitae indicates that this missense variant is expected to disrupt RYR1 protein function. Algorithms developed to predict the effect of sequence changes on RNA splicing suggest that this variant may create or strengthen a splice site. In summary, the available evidence is currently insufficient to determine the role of this variant in disease. Therefore, it has been classified as a Variant of Uncertain Significance.

Literature cited by the submitters: PubMed 19191333 (cited by Color Diagnostics, LLC DBA Color Health and Labcorp Genetics (formerly Invitae), Labcorp).

NM_000540.3(RYR1):c.9674G>A (p.Arg3225Gln)

Gene: RYR1 (ryanodine receptor 1; plus strand). Cytogenetic location: 19q13.2.
Variant type: single nucleotide variant.
Coding change: c.9674G>A on transcript NM_000540.3 (MANE Select); coding-DNA position 9674, G replaced by A.
Protein change: p.Arg3225Gln; replaces arginine 3225 with glutamine.
Molecular consequence: missense variant.
Genome position (GRCh38, 1-based): chr19:38,516,206, G>A. VCF-style: chr19-38516206-G-A. GRCh37 (hg19) VCF-style: chr19-39006846-G-A.
Other names: c.9674G>A, p.Arg3225Gln (NM_001042723.2); short protein forms R3225Q.
Identifiers: ClinVar variation 2060158 (VCV002060158.3), dbSNP rs535449761, ClinGen allele CA073965.